The following is an entry in ClinVar:

GRCh37/hg19 Xq28(chrX:154120640-154565718)x1

Genes: BRCC3 (BRCA1/BRCA2-containing complex subunit 3; plus strand), CLIC2 (chloride intracellular channel 2; minus strand), CMC4 (C-X9-C motif containing 4; minus strand), F8 (coagulation factor VIII; minus strand), FUNDC2 (FUN14 domain containing 2; plus strand) and 3 more. Cytogenetic location: Xq28.
Variant type: copy number loss.
Change: copy number 1 of chrX:154,120,640-154,565,718 (445.1 kb, GRCh37 coordinates, 1-based), cytogenetic band Xq28.
Identifiers: ClinVar variation 564944 (VCV000564944.2).

ClinVar aggregate classification (germline): Pathogenic (1 of 4 stars; one submission).

Submission:

Quest Diagnostics Nichols Institute San Juan Capistrano
Classification: Pathogenic. Last evaluated: 2022-10-27. Review status: criteria provided, single submitter. Criteria: ACMG/ClinGen CNV Guidelines, 2019. Collection method: clinical testing. Allele origin: unknown.
Comment: This loss involves multiple protein-coding genes. Nullizygosity of F8 (OMIM 300841), in males, is associated with hemophilia A (OMIM 306700, Konkle 2000). Additionally, nullizygosity of RAB39B (OMIM 300774) is associated with X-linked intellectual developmental disorder-72 (XLID72; OMIM 300271), while missense and loss-of-function variants of RAB39B have been associated with X-linked Waisman syndrome (WSMN; OMIM 311510). Deletions involving BRCC3 (OMIM 300617) and MTCP1 (OMIM 300116) have been identified as an etiology for Moyamoya disease 4 (MYMY4; OMIM 300845). There are no similar copy number losses of this region in the general populations of the Database of Genomic Variants. Thus, this copy number variant (CNV) is classified as pathogenic. References: El-Hattab et al., J Med Genet. 2011 Dec;48(12):840-50. PMID: 21984752 El-Hattab et al., BMC Med Genet. 2015 Mar 14;16:12. PMID: 25927380 Konkle et al., GeneReviews. 2000 Sep; NBK1404. PMID: 20301578